The following is an entry in ClinVar:

NM_016373.4(WWOX):c.341T>C (p.Met114Thr)

Gene: WWOX (WW domain containing oxidoreductase; plus strand). Cytogenetic location: 16q23.1.
Variant type: single nucleotide variant.
Coding change: c.341T>C on transcript NM_016373.4 (MANE Select); coding-DNA position 341, T replaced by C.
Protein change: p.Met114Thr; replaces methionine 114 with threonine.
Molecular consequence: missense variant. On other transcripts: initiator codon variant (1), non-coding transcript variant (1).
Genome position (GRCh38, 1-based): chr16:78,115,086, T>C. VCF-style: chr16-78115086-T-C. GRCh37 (hg19) VCF-style: chr16-78148983-T-C.
Other names: c.2T>C, p.Met1Thr (NM_001291997.2); c.341T>C, p.Met114Thr (NM_130791.5); short protein forms M114T, M1T.
Identifiers: ClinVar variation 546463 (VCV000546463.10), dbSNP rs761906386, ClinGen allele CA396842499.
Genomic context (GRCh38, chr16:78,115,086, plus strand): 5'-TGGATGATAATCCGACCAAGCCAACCACCCGGCAAAGATACGACGGCAGCACCACTGCCA[T>C]GGAAATTCTCCAGGGCCGGGATTTCACTGGCAAAGTGGTTGTGGTCACTGGAGCTAATTC-3'
Protein context (NP_057457.1, residues 104-124): RQRYDGSTTA[Met114Thr]EILQGRDFTG

ClinVar aggregate classification (germline): Uncertain significance. Review status: criteria provided, multiple submitters, no conflicts (2 of 4 stars). 3 submissions from 3 submitters: Uncertain significance (3). Last evaluated 2022-10-24.

Conditions:
Malignant tumor of esophagus. Also called: Esophageal cancer; Esophageal cancer, somatic. Identifiers: Orphanet 99977, MedGen C0546837, MONDO:0007576, OMIM 133239.
Autosomal recessive spinocerebellar ataxia 12. Also called: SPINOCEREBELLAR ATAXIA WITH MENTAL RETARDATION AND EPILEPSY. Identifiers: Orphanet 284282, MedGen C3280452, MONDO:0013687, OMIM 614322.
Developmental and epileptic encephalopathy, 28 (DEE28). Also called: Epileptic encephalopathy, early infantile, 28. Identifiers: Orphanet 442835, MedGen C4015519, MONDO:0014533, OMIM 616211.
Developmental and epileptic encephalopathy, 1 (DEE1). Also called: OHTAHARA SYNDROME, X-LINKED; X-linked infantile spasms; West's syndrome; Tonic spasms with clustering, arrest of psychomotor development and hypsarrhythmia on EEG; X-Linked Infantile Spasm Syndrome; Epileptic encephalopathy, early infantile, 1. Identifiers: MedGen C3463992, MONDO:0010632, OMIM 308350. Disease mechanism: loss of function.

Allele frequency attached by ClinVar (database versions not stated): TOPMed 0.00005.

Submissions (3):

Labcorp Genetics (formerly Invitae), Labcorp
Classification: Uncertain significance for Developmental and epileptic encephalopathy, 1; Autosomal recessive spinocerebellar ataxia 12. Last evaluated: 2022-10-24. Review status: criteria provided, single submitter. Criteria: Invitae Variant Classification Sherloc (09022015). Collection method: clinical testing. Allele origin: germline.
Comment: This sequence change replaces methionine with threonine at codon 114 of the WWOX protein (p.Met114Thr). The methionine residue is moderately conserved and there is a moderate physicochemical difference between methionine and threonine. This variant is present in population databases (no rsID available, gnomAD 0.002%). This variant has not been reported in the literature in individuals affected with WWOX-related conditions. ClinVar contains an entry for this variant (Variation ID: 546463). Advanced modeling of protein sequence and biophysical properties (such as structural, functional, and spatial information, amino acid conservation, physicochemical variation, residue mobility, and thermodynamic stability) performed at Invitae indicates that this missense variant is not expected to disrupt WWOX protein function. In summary, the available evidence is currently insufficient to determine the role of this variant in disease. Therefore, it has been classified as a Variant of Uncertain Significance.

Fulgent Genetics
Classification: Uncertain significance for Malignant tumor of esophagus; Autosomal recessive spinocerebellar ataxia 12; Developmental and epileptic encephalopathy, 28. Last evaluated: 2018-10-31. Review status: criteria provided, single submitter. Criteria: ACMG Guidelines, 2015. Collection method: clinical testing. Allele origin: unknown.

GeneDx
Classification: Uncertain significance. Last evaluated: 2018-05-23. Review status: criteria provided, single submitter. Criteria: GeneDx Variant Classification (06012015). Collection method: clinical testing. Allele origin: germline. Affected: yes.
Comment: The M114T variant has not been published as a pathogenic variant, nor has it been reported as a benign variant to our knowledge. The M114T variant is not observed at a significant frequency in large population cohorts (Lek et al., 2016). The M114T variant is a non-conservative amino acid substitution, which is likely to impact secondary protein structure as these residues differ in polarity, charge, size and/or other properties. In-silico analyses, including protein predictors and evolutionary conservation, support a deleterious effect. Based on the currently available information, it is unclear whether this variant is a pathogenic variant or a rare benign variant.